The following is an entry in ClinVar:

ClinVar aggregate classification (germline): Conflicting classifications of pathogenicity. Review status: criteria provided, conflicting classifications (1 of 4 stars). 3 submissions from 3 submitters: Uncertain significance (1); Likely benign (1). 1 of the submissions does not count toward it. Last evaluated 2022-07-12.

Conditions:
Retinal dystrophy. Also called: Inherited retinal dystrophy. Identifiers: Orphanet 71862, MedGen C0854723, MeSH D058499, MONDO:0019118, HP:0000556.

Allele frequency attached by ClinVar (database versions not stated): gnomAD 0.00001; TOPMed 0.00004.
gnomAD v4.1: 44 of 1,613,908 alleles (0.0027%); highest among the groups gnomAD compares: Admixed American, 0.065%; no homozygotes.

Submissions (3):

Labcorp Genetics (formerly Invitae), Labcorp
Classification: Uncertain significance. Last evaluated: 2022-07-12. Review status: criteria provided, single submitter. Criteria: Invitae Variant Classification Sherloc (09022015). Collection method: clinical testing. Allele origin: germline.
Comment: In summary, the available evidence is currently insufficient to determine the role of this variant in disease. Therefore, it has been classified as a Variant of Uncertain Significance. Algorithms developed to predict the effect of missense changes on protein structure and function are either unavailable or do not agree on the potential impact of this missense change (SIFT: "Deleterious"; PolyPhen-2: "Probably Damaging"; Align-GVGD: "Class C0"). ClinVar contains an entry for this variant (Variation ID: 960302). This variant has not been reported in the literature in individuals affected with KIAA1549-related conditions. This variant is present in population databases (rs761737159, gnomAD 0.09%). This sequence change replaces asparagine, which is neutral and polar, with aspartic acid, which is acidic and polar, at codon 159 of the KIAA1549 protein (p.Asn159Asp).

Blueprint Genetics
Classification: Likely benign. Last evaluated: 2022-05-25. Review status: criteria provided, single submitter. Criteria: ACMG Guidelines, 2015. Collection method: clinical testing. Allele origin: germline.

Institute of Human Genetics, Univ. Regensburg, Univ. Regensburg
Classification: Uncertain significance for Retinal dystrophy. Last evaluated: 2023-01-01. Review status: no assertion criteria provided. Criteria: ACMG Guidelines, 2015. Collection method: clinical testing. Allele origin: germline. Affected: yes. Not counted in ClinVar's aggregate classification.

NM_001164665.2(KIAA1549):c.475A>G (p.Asn159Asp)

Gene: KIAA1549 (KIAA1549; minus strand). Cytogenetic location: 7q34.
Variant type: single nucleotide variant.
Coding change: c.475A>G on transcript NM_001164665.2 (MANE Select); coding-DNA position 475, A replaced by G.
Protein change: p.Asn159Asp; replaces asparagine 159 with aspartic acid.
Molecular consequence: missense variant.
Genome position (GRCh38, 1-based): chr7:138,919,151, T>C on the plus strand (A>G on the coding strand, the complement: KIAA1549 is on the minus strand). VCF-style: chr7-138919151-T-C. GRCh37 (hg19) VCF-style: chr7-138603897-T-C.
Other names: c.475A>G, p.Asn159Asp (NM_020910.3); short protein forms N159D.
Identifiers: ClinVar variation 960302 (VCV000960302.8), dbSNP rs761737159, ClinGen allele CA4506936.